The following is an entry in ClinVar:

ClinVar aggregate classification (germline): Uncertain significance. Review status: criteria provided, multiple submitters, no conflicts (2 of 4 stars). 2 submissions from 2 submitters: Uncertain significance (2). Last evaluated 2025-04-03.

Allele frequency attached by ClinVar (database versions not stated): gnomAD exomes 0.00002; ExAC 0.00002; TOPMed 0.00006; gnomAD 0.00003.
gnomAD v4.1: 39 of 1,613,206 alleles (0.0024%); highest among the groups gnomAD compares: Middle Eastern, 0.066%; no homozygotes.

Submissions (2):

Ambry Genetics
Classification: Uncertain significance. Last evaluated: 2025-04-03. Review status: criteria provided, single submitter. Criteria: Ambry Variant Classification Scheme 2023. Collection method: clinical testing. Allele origin: germline.

Labcorp Genetics (formerly Invitae), Labcorp
Classification: Uncertain significance. Last evaluated: 2022-06-26. Review status: criteria provided, single submitter. Criteria: Invitae Variant Classification Sherloc (09022015). Collection method: clinical testing. Allele origin: germline.
Comment: This sequence change replaces histidine, which is basic and polar, with arginine, which is basic and polar, at codon 381 of the CYP2R1 protein (p.His381Arg). This variant is present in population databases (rs782329074, gnomAD 0.01%). This variant has not been reported in the literature in individuals affected with CYP2R1-related conditions. Algorithms developed to predict the effect of missense changes on protein structure and function (SIFT, PolyPhen-2, Align-GVGD) all suggest that this variant is likely to be tolerated. In summary, the available evidence is currently insufficient to determine the role of this variant in disease. Therefore, it has been classified as a Variant of Uncertain Significance.

NM_024514.5(CYP2R1):c.1142A>G (p.His381Arg)

Genes: PDE3B (phosphodiesterase 3B; plus strand), CYP2R1 (cytochrome P450 family 2 subfamily R member 1; minus strand). Cytogenetic location: 11p15.2.
Variant type: single nucleotide variant.
Coding change: c.1142A>G on transcript NM_024514.5 (MANE Select); coding-DNA position 1142, A replaced by G.
Protein change: p.His381Arg; replaces histidine 381 with arginine.
Molecular consequence: missense variant.
Genome position (GRCh38, 1-based): chr11:14,879,302, T>C on the plus strand (A>G on the coding strand, the complement: CYP2R1 is on the minus strand). VCF-style: chr11-14879302-T-C. GRCh37 (hg19) VCF-style: chr11-14900848-T-C.
Other names: c.797A>G, p.His266Arg (NM_001377214.1, NM_001377215.1, NM_001377216.1 and 5 more transcripts); c.980A>G, p.His327Arg (NM_001377217.1); c.443A>G, p.His148Arg (NM_001400562.1, NM_001400563.1, NM_001400564.1 and 1 more transcripts); c.164A>G, p.His55Arg (NM_001400566.1); c.998A>G, p.His333Arg (NM_001400567.1); c.1097A>G, p.His366Arg (NM_001400568.1); c.1142A>G (NM_024514.4); short protein forms H148R, H327R, H333R, H266R, H381R, H366R, H55R.
Identifiers: ClinVar variation 2160764 (VCV002160764.3), dbSNP rs782329074, ClinGen allele CA5896551.